The following is an entry in ClinVar:

NM_004211.5(SLC6A5):c.1360A>C (p.Ile454Leu)

Gene: SLC6A5 (solute carrier family 6 member 5; plus strand). Cytogenetic location: 11p15.1.
Variant type: single nucleotide variant.
Coding change: c.1360A>C on transcript NM_004211.5 (MANE Select); coding-DNA position 1360, A replaced by C.
Protein change: p.Ile454Leu; replaces isoleucine 454 with leucine.
Molecular consequence: missense variant.
Genome position (GRCh38, 1-based): chr11:20,626,807, A>C. VCF-style: chr11-20626807-A-C. GRCh37 (hg19) VCF-style: chr11-20648353-A-C.
Other names: c.658A>C, p.Ile220Leu (NM_001318369.2); short protein forms I454L, I220L.
Identifiers: ClinVar variation 2118135 (VCV002118135.4), dbSNP rs2494145402, ClinGen allele CA379917073.
Genomic context (GRCh38, chr11:20,626,807, plus strand): 5'-GTGATCCTCCTCATCCGAGGAGTCACCCTGCCTGGAGCTGGAGCTGGGATCTGGTACTTC[A>C]TCACACCCAAGTGGGAGAAACTCACGGATGCCACGGTGGGCTTCTAATTTTATCTATAAC-3'
Protein context (NP_004202.4, residues 444-464): PGAGAGIWYF[Ile454Leu]TPKWEKLTDA

ClinVar aggregate classification (germline): Uncertain significance (1 of 4 stars; one submission).

Conditions:
Hyperekplexia 3 (HKPX3). Also called: HYPEREKPLEXIA 3, AUTOSOMAL RECESSIVE; HYPEREKPLEXIA 3, AUTOSOMAL DOMINANT. Identifiers: Orphanet 3197, MedGen C3553288, MONDO:0013827, OMIM 614618.

Allele frequency attached by ClinVar (database versions not stated): gnomAD exomes below 0.00001.
gnomAD v4.1: 2 of 1,613,952 alleles (0.00012%); highest among the groups gnomAD compares: South Asian, 0.0011%; no homozygotes.

Submission:

Labcorp Genetics (formerly Invitae), Labcorp
Classification: Uncertain significance for Hyperekplexia 3. Last evaluated: 2022-03-27. Review status: criteria provided, single submitter. Criteria: Invitae Variant Classification Sherloc (09022015). Collection method: clinical testing. Allele origin: germline.
Comment: In summary, the available evidence is currently insufficient to determine the role of this variant in disease. Therefore, it has been classified as a Variant of Uncertain Significance. Advanced modeling of protein sequence and biophysical properties (such as structural, functional, and spatial information, amino acid conservation, physicochemical variation, residue mobility, and thermodynamic stability) performed at Invitae indicates that this missense variant is not expected to disrupt SLC6A5 protein function. This variant has not been reported in the literature in individuals affected with SLC6A5-related conditions. This variant is not present in population databases (gnomAD no frequency). This sequence change replaces isoleucine, which is neutral and non-polar, with leucine, which is neutral and non-polar, at codon 454 of the SLC6A5 protein (p.Ile454Leu).